The following is an entry in ClinVar:

NM_001243279.3(ACSF3):c.282G>C (p.Arg94=)

Gene: ACSF3 (acyl-CoA synthetase family member 3; plus strand). Cytogenetic location: 16q24.3.
Variant type: single nucleotide variant.
Coding change: c.282G>C on transcript NM_001243279.3 (MANE Select); coding-DNA position 282, G replaced by C.
Protein change: p.Arg94=; no amino-acid change (arginine 94 retained).
Molecular consequence: synonymous variant. On other transcripts: non-coding transcript variant (3), intron variant (1).
Genome position (GRCh38, 1-based): chr16:89,100,963, G>C. VCF-style: chr16-89100963-G-C. GRCh37 (hg19) VCF-style: chr16-89167371-G-C.
Other names: c.282G>C, p.Arg94= (NM_001127214.4, NM_174917.5); c.-129-1641G>C (NM_001284316.2).
Identifiers: ClinVar variation 3050356 (VCV003050356.2), dbSNP rs2151406487, ClinGen allele CA497370204.
Genomic context (GRCh38, chr16:89,100,963, plus strand): 5'-CAGCCTTCGCCTGTCCCAGGAGATCTGCAGGCTCTGCGGGTGTGTCGGCGGGGACCTCCG[G>C]GAGGAGAGGGTCTCCTTCCTATGCGCTAACGATGCCTCCTACGTCGTGGCCCAGTGGGCG-3'
Protein context (NP_001230208.1, residues 84-104): RLCGCVGGDL[Arg94=]EERVSFLCAN

ClinVar aggregate classification (germline): Likely benign (0 of 4 stars; one submission).

Conditions:
ACSF3-related disorder. Also called: ACSF3-related condition.

Submission:

PreventionGenetics, part of Exact Sciences
Classification: Likely benign for ACSF3-related condition. Last evaluated: 2022-05-18. Review status: no assertion criteria provided. Collection method: clinical testing. Allele origin: germline.
Comment: This variant is classified as likely benign based on ACMG/AMP sequence variant interpretation guidelines (Richards et al. 2015 PMID: 25741868, with internal and published modifications).